The following is an entry in ClinVar:

NM_003239.5(TGFB3):c.1006C>T (p.Pro336Ser)

Gene: TGFB3 (transforming growth factor beta 3; minus strand). Cytogenetic location: 14q24.3.
Variant type: single nucleotide variant.
Coding change: c.1006C>T on transcript NM_003239.5 (MANE Select); coding-DNA position 1006, C replaced by T.
Protein change: p.Pro336Ser; replaces proline 336 with serine.
Molecular consequence: missense variant.
Genome position (GRCh38, 1-based): chr14:75,960,997, G>A on the plus strand (C>T on the coding strand, the complement: TGFB3 is on the minus strand). VCF-style: chr14-75960997-G-A. GRCh37 (hg19) VCF-style: chr14-76427340-G-A.
Other names: c.1006C>T, p.Pro336Ser (NM_001329939.2); short protein forms P336S.
Identifiers: ClinVar variation 2757292 (VCV002757292.4), dbSNP rs2504096184, ClinGen allele CA390467926.

ClinVar aggregate classification (germline): Uncertain significance. Review status: criteria provided, multiple submitters, no conflicts (2 of 4 stars). 2 submissions from 2 submitters: Uncertain significance (2). Last evaluated 2026-05-26.

Conditions:
Rienhoff syndrome. Also called: LOEYS-DIETZ SYNDROME 5. Identifiers: MedGen C3810012, MONDO:0014262, OMIM 615582.
Familial thoracic aortic aneurysm and aortic dissection (TAAD). Also called: Thoracic aortic aneurysms and dissections. Identifiers: Orphanet 91387, MedGen C4707243, MONDO:0019625.

Allele frequency attached by ClinVar (database versions not stated): gnomAD exomes below 0.00001.

Submissions (2):

Ambry Genetics
Classification: Uncertain significance for Familial thoracic aortic aneurysm and aortic dissection. Last evaluated: 2026-05-26. Review status: criteria provided, single submitter. Criteria: Ambry Variant Classification Scheme 2023. Collection method: clinical testing. Allele origin: germline.

Labcorp Genetics (formerly Invitae), Labcorp
Classification: Uncertain significance for Rienhoff syndrome. Last evaluated: 2023-09-10. Review status: criteria provided, single submitter. Criteria: Invitae Variant Classification Sherloc (09022015). Collection method: clinical testing. Allele origin: germline.
Comment: Advanced modeling of protein sequence and biophysical properties (such as structural, functional, and spatial information, amino acid conservation, physicochemical variation, residue mobility, and thermodynamic stability) performed at Invitae indicates that this missense variant is expected to disrupt TGFB3 protein function. In summary, the available evidence is currently insufficient to determine the role of this variant in disease. Therefore, it has been classified as a Variant of Uncertain Significance. This sequence change replaces proline, which is neutral and non-polar, with serine, which is neutral and polar, at codon 336 of the TGFB3 protein (p.Pro336Ser). This variant is not present in population databases (gnomAD no frequency). This variant has not been reported in the literature in individuals affected with TGFB3-related conditions.